The following is an entry in ClinVar:

ClinVar aggregate classification (germline): Likely benign (0 of 4 stars; one submission).

Conditions:
KMT2D-related disorder. Also called: KMT2D-Related Disorders.

Submission:

PreventionGenetics, part of Exact Sciences
Classification: Likely benign for KMT2D-related condition. Last evaluated: 2024-05-21. Review status: no assertion criteria provided. Collection method: clinical testing. Allele origin: germline.
Comment: This variant is classified as likely benign based on ACMG/AMP sequence variant interpretation guidelines (Richards et al. 2015 PMID: 25741868, with internal and published modifications).

NM_003482.4(KMT2D):c.3075G>C (p.Ser1025=)

Gene: KMT2D (lysine methyltransferase 2D; minus strand). Cytogenetic location: 12q13.12.
Variant type: single nucleotide variant.
Coding change: c.3075G>C on transcript NM_003482.4 (MANE Select); coding-DNA position 3075, G replaced by C.
Protein change: p.Ser1025=; no amino-acid change (serine 1025 retained).
Molecular consequence: synonymous variant.
Genome position (GRCh38, 1-based): chr12:49,050,513, C>G on the plus strand (G>C on the coding strand, the complement: KMT2D is on the minus strand). VCF-style: chr12-49050513-C-G. GRCh37 (hg19) VCF-style: chr12-49444296-C-G.
Identifiers: ClinVar variation 3345992 (VCV003345992.1).
Genomic context (GRCh38, chr12:49,050,513, plus strand): 5'-AGGAGGAGAGCACTGGGAAGGAGGGGAGTTTTGGGGAACCAGGGAATGCTGAAGGAGTGG[C>G]GAACACTGAGGAGGAAGGGGCTCCATCAGGATGGGAGAAGCCGGCCCCACTGGGGAGCCT-3'
Protein context (NP_003473.3, residues 1015-1035): ILMEPLPPQC[Ser1025=]PLLQHSLVPQ